The following is an entry in ClinVar:

ClinVar aggregate classification (germline): Uncertain significance (1 of 4 stars; one submission).

Conditions:
PDHA1-related disorder. Also called: PDHA1-related condition.

Submission:

Daryl Scott Lab, Baylor College of Medicine
Classification: Uncertain significance for PDHA1-related disorder. Last evaluated: 2025-08-25. Review status: criteria provided, single submitter. Criteria: ACMG Guidelines, 2015. Collection method: clinical testing. Allele origin: de novo. Affected: yes. Observed: 1 heterozygote.
Comment: PS2, PM2, PP3

NM_000284.4(PDHA1):c.448G>A (p.Gly150Arg)

Gene: PDHA1 (pyruvate dehydrogenase E1 subunit alpha 1; plus strand). Cytogenetic location: Xp22.12.
Variant type: single nucleotide variant.
Coding change: c.448G>A on transcript NM_000284.4 (MANE Select); coding-DNA position 448, G replaced by A.
Protein change: p.Gly150Arg; replaces glycine 150 with arginine.
Molecular consequence: missense variant.
Genome position (GRCh38, 1-based): chrX:19,353,111, G>A. VCF-style: chrX-19353111-G-A. GRCh37 (hg19) VCF-style: chrX-19371229-G-A.
Other names: c.562G>A, p.Gly188Arg (NM_001173454.2); c.469G>A, p.Gly157Arg (NM_001173455.2); c.448G>A, p.Gly150Arg (NM_001173456.2); short protein forms G150R, G157R, G188R.
Identifiers: ClinVar variation 4279704 (VCV004279704.1).